The following is an entry in ClinVar:

NM_138326.3(ACMSD):c.765G>A (p.Pro255=)

Genes: ACMSD (aminocarboxymuconate semialdehyde decarboxylase; plus strand), CCNT2-AS1 (CCNT2 antisense RNA 1; minus strand). Cytogenetic location: 2q21.3.
Variant type: single nucleotide variant.
Coding change: c.765G>A on transcript NM_138326.3 (MANE Select); coding-DNA position 765, G replaced by A.
Protein change: p.Pro255=; no amino-acid change (proline 255 retained).
Molecular consequence: synonymous variant.
Genome position (GRCh38, 1-based): chr2:134,872,557, G>A. VCF-style: chr2-134872557-G-A. GRCh37 (hg19) VCF-style: chr2-135630127-G-A.
Other names: c.591G>A, p.Pro197= (NM_001307983.2).
Identifiers: ClinVar variation 3058305 (VCV003058305.2), dbSNP rs138304352, ClinGen allele CA1882847.

ClinVar aggregate classification (germline): Likely benign (0 of 4 stars; one submission).

Conditions:
ACMSD-related disorder. Also called: ACMSD-related condition.

Allele frequency attached by ClinVar (database versions not stated): ESP Exome Variant Server 0.00008; 1000 Genomes Project 30x 0.00047; 1000 Genomes Project 0.00060.
gnomAD v4.1: 93 of 1,614,092 alleles (0.0058%); highest among the groups gnomAD compares: African/African-American, 0.032%; no homozygotes.

Submission:

PreventionGenetics, part of Exact Sciences
Classification: Likely benign for ACMSD-related condition. Last evaluated: 2019-03-12. Review status: no assertion criteria provided. Collection method: clinical testing. Allele origin: germline.
Comment: This variant is classified as likely benign based on ACMG/AMP sequence variant interpretation guidelines (Richards et al. 2015 PMID: 25741868, with internal and published modifications).